The following is an entry in ClinVar:

ClinVar aggregate classification (germline): Uncertain significance (1 of 4 stars; one submission).

Submission:

Labcorp Genetics (formerly Invitae), Labcorp
Classification: Uncertain significance. Last evaluated: 2024-07-15. Review status: criteria provided, single submitter. Criteria: Invitae Variant Classification Sherloc (09022015). Collection method: clinical testing. Allele origin: germline.
Comment: This sequence change replaces methionine, which is neutral and non-polar, with arginine, which is basic and polar, at codon 690 of the KMT2A protein (p.Met690Arg). This variant is not present in population databases (gnomAD no frequency). This variant has not been reported in the literature in individuals affected with KMT2A-related conditions. Advanced modeling of protein sequence and biophysical properties (such as structural, functional, and spatial information, amino acid conservation, physicochemical variation, residue mobility, and thermodynamic stability) performed at Invitae indicates that this missense variant is not expected to disrupt KMT2A protein function with a negative predictive value of 95%. In summary, the available evidence is currently insufficient to determine the role of this variant in disease. Therefore, it has been classified as a Variant of Uncertain Significance.

NM_001197104.2(KMT2A):c.2069T>G (p.Met690Arg)

Gene: KMT2A (lysine methyltransferase 2A; plus strand). Cytogenetic location: 11q23.3.
Variant type: single nucleotide variant.
Coding change: c.2069T>G on transcript NM_001197104.2 (MANE Select); coding-DNA position 2069, T replaced by G.
Protein change: p.Met690Arg; replaces methionine 690 with arginine.
Molecular consequence: missense variant.
Genome position (GRCh38, 1-based): chr11:118,473,228, T>G. VCF-style: chr11-118473228-T-G. GRCh37 (hg19) VCF-style: chr11-118343943-T-G.
Other names: c.2168T>G, p.Met723Arg (NM_001412597.1); c.2069T>G, p.Met690Arg (NM_005933.4); short protein forms M690R, M723R.
Identifiers: ClinVar variation 3634308 (VCV003634308.2).